The following is an entry in ClinVar:

NM_014669.5(NUP93):c.1899+5A>C

Gene: NUP93 (nucleoporin 93; plus strand). Cytogenetic location: 16q13.
Variant type: single nucleotide variant.
Coding change: c.1899+5A>C on transcript NM_014669.5 (MANE Select); 5 bases into the intron after coding-DNA position 1899, A replaced by C.
Molecular consequence: intron variant.
Genome position (GRCh38, 1-based): chr16:56,836,722, A>C. VCF-style: chr16-56836722-A-C. GRCh37 (hg19) VCF-style: chr16-56870634-A-C.
Other names: c.1530+5A>C (NM_001242795.2, NM_001242796.2).
Identifiers: ClinVar variation 3031351 (VCV003031351.2), dbSNP rs542472718, ClinGen allele CA8068578.
Genomic context (GRCh38, chr16:56,836,722, plus strand): 5'-TGGCAGAAAATAAAGGACTGTTTGAAGAGGCAGCAAAGCTGTATGACCTTGCCAAGGTAA[A>C]GTGTGCCCACTTCCTTCTTTTGCACTTCACAGGTCTGCTGGCCTTTTGGCATTAAATGTG-3'

ClinVar aggregate classification (germline): Likely benign (0 of 4 stars; one submission).

Conditions:
NUP93-related disorder. Also called: NUP93-related condition.

Allele frequency attached by ClinVar (database versions not stated): TOPMed below 0.00001; gnomAD 0.00002; ExAC 0.00011.
gnomAD v4.1: 88 of 1,583,356 alleles (0.0056%); highest among the groups gnomAD compares: South Asian, 0.093%; no homozygotes.

Submission:

PreventionGenetics, part of Exact Sciences
Classification: Likely benign for NUP93-related condition. Last evaluated: 2022-09-27. Review status: no assertion criteria provided. Collection method: clinical testing. Allele origin: germline.
Comment: This variant is classified as likely benign based on ACMG/AMP sequence variant interpretation guidelines (Richards et al. 2015 PMID: 25741868, with internal and published modifications).